The following is an entry in ClinVar:

ClinVar aggregate classification (germline): Uncertain significance. Review status: criteria provided, multiple submitters, no conflicts (2 of 4 stars). 2 submissions from 2 submitters: Uncertain significance (2). Last evaluated 2025-12-22.

Conditions:
IFT140-related disorder. Also called: IFT140-related condition.
Inborn genetic diseases. Identifiers: MedGen C0950123, MeSH D030342.

gnomAD v4.1: 5 of 1,610,078 alleles (0.00031%); highest among the groups gnomAD compares: African/African-American, 0.004%; no homozygotes.

Submissions (2):

Ambry Genetics
Classification: Uncertain significance for Inborn genetic diseases. Last evaluated: 2025-12-22. Review status: criteria provided, single submitter. Criteria: Ambry Variant Classification Scheme 2023. Collection method: clinical testing. Allele origin: germline.

PreventionGenetics, part of Exact Sciences
Classification: Uncertain significance for IFT140-related condition. Last evaluated: 2025-01-02. Review status: criteria provided, single submitter. Criteria: ACMG Guidelines, 2015. Collection method: clinical testing. Allele origin: germline.
Comment: The IFT140 c.2419A>G variant is predicted to result in the amino acid substitution p.Met807Val. To our knowledge, this variant has not been reported in the literature. This variant is reported in 0.0065% of alleles in individuals of African descent in gnomAD. At this time, the clinical significance of this variant is uncertain due to the absence of conclusive functional and genetic evidence.

NM_014714.4(IFT140):c.2419A>G (p.Met807Val)

Gene: IFT140 (intraflagellar transport 140; minus strand). Cytogenetic location: 16p13.3.
Variant type: single nucleotide variant.
Coding change: c.2419A>G on transcript NM_014714.4 (MANE Select); coding-DNA position 2419, A replaced by G.
Protein change: p.Met807Val; replaces methionine 807 with valine.
Molecular consequence: missense variant.
Genome position (GRCh38, 1-based): chr16:1,526,777, T>C on the plus strand (A>G on the coding strand, the complement: IFT140 is on the minus strand). VCF-style: chr16-1526777-T-C. GRCh37 (hg19) VCF-style: chr16-1576778-T-C.
Other names: short protein forms M807V.
Identifiers: ClinVar variation 4837764 (VCV004837764.2).